The following is an entry in ClinVar:

ClinVar aggregate classification (germline): Uncertain significance (1 of 4 stars; one submission).

Allele frequency attached by ClinVar (database versions not stated): gnomAD exomes below 0.00001; gnomAD 0.00001.

Submission:

GeneDx
Classification: Uncertain significance. Last evaluated: 2019-11-08. Review status: criteria provided, single submitter. Criteria: GeneDx Variant Classification Process June 2021. Collection method: clinical testing. Allele origin: germline. Affected: yes.
Comment: Not observed in large population cohorts (Lek et al., 2016); In silico analysis, which includes protein predictors and evolutionary conservation, supports that this variant does not alter protein structure/function; Has not been previously published as pathogenic or benign to our knowledge

NM_003793.4(CTSF):c.1363A>G (p.Thr455Ala)

Gene: CTSF (cathepsin F; minus strand). Cytogenetic location: 11q13.2.
Variant type: single nucleotide variant.
Coding change: c.1363A>G on transcript NM_003793.4 (MANE Select); coding-DNA position 1363, A replaced by G.
Protein change: p.Thr455Ala; replaces threonine 455 with alanine.
Molecular consequence: missense variant.
Genome position (GRCh38, 1-based): chr11:66,564,105, T>C on the plus strand (A>G on the coding strand, the complement: CTSF is on the minus strand). VCF-style: chr11-66564105-T-C. GRCh37 (hg19) VCF-style: chr11-66331576-T-C.
Other names: short protein forms T455A.
Identifiers: ClinVar variation 1310328 (VCV001310328.2), dbSNP rs1161851567, ClinGen allele CA381455842.
Genomic context (GRCh38, chr11:66,564,105, plus strand): 5'-GGATGGCGGCTGGAGGGCCAGGGGCCAAGCCAGCAAGACTCACCTTCTCACCCCAGTCAG[T>C]GCCCCAGCTGTTCTTGATGGCCCAAAAGGGAACGTCAGAGCCTGGGGTGCAGTGCAGAGC-3'
Protein context (NP_003784.2, residues 445-465): PFWAIKNSWG[Thr455Ala]DWGEKGYYYL